The following is an entry in ClinVar:

NM_012418.4(FSCN2):c.1273+1G>C

Gene: FSCN2 (fascin actin-bundling protein 2, retinal; plus strand). Cytogenetic location: 17q25.3.
Variant type: single nucleotide variant.
Coding change: c.1273+1G>C on transcript NM_012418.4 (MANE Select); the canonical splice donor site of the intron after coding-DNA position 1273, G replaced by C.
Molecular consequence: splice donor variant.
Genome position (GRCh38, 1-based): chr17:81,536,790, G>C. VCF-style: chr17-81536790-G-C. GRCh37 (hg19) VCF-style: chr17-79503816-G-C.
Other names: c.1345+1G>C (NM_001077182.3).
Identifiers: ClinVar variation 1421680 (VCV001421680.6), dbSNP rs761338047, ClinGen allele CA401478317.

ClinVar aggregate classification (germline): Uncertain significance (1 of 4 stars; one submission).

gnomAD v4.1: 1 of 1,586,100 alleles (0.000063%); highest among the groups gnomAD compares: African/African-American, 0.0013%; no homozygotes.

Submission:

Labcorp Genetics (formerly Invitae), Labcorp
Classification: Uncertain significance. Last evaluated: 2024-12-18. Review status: criteria provided, single submitter. Criteria: Invitae Variant Classification Sherloc (09022015). Collection method: clinical testing. Allele origin: germline.
Comment: This sequence change falls in intron 4 of the FSCN2 gene. It does not directly change the encoded amino acid sequence of the FSCN2 protein. It affects a nucleotide within the consensus splice site. This variant is not present in population databases (gnomAD no frequency). This variant has not been reported in the literature in individuals affected with FSCN2-related conditions. ClinVar contains an entry for this variant (Variation ID: 1421680). Variants that disrupt the consensus splice site are a relatively common cause of aberrant splicing (PMID: 17576681, 9536098). Algorithms developed to predict the effect of sequence changes on RNA splicing suggest that this variant may disrupt the consensus splice site. In summary, the available evidence is currently insufficient to determine the role of this variant in disease. Therefore, it has been classified as a Variant of Uncertain Significance.

Literature cited by the submitters: PubMed 17576681; PubMed 9536098.